The following is an entry in ClinVar:

NM_005762.3(TRIM28):c.343G>C (p.Val115Leu)

Gene: TRIM28 (tripartite motif containing 28; plus strand). Cytogenetic location: 19q13.43.
Variant type: single nucleotide variant.
Coding change: c.343G>C on transcript NM_005762.3 (MANE Select); coding-DNA position 343, G replaced by C.
Protein change: p.Val115Leu; replaces valine 115 with leucine.
Molecular consequence: missense variant.
Genome position (GRCh38, 1-based): chr19:58,545,427, G>C. VCF-style: chr19-58545427-G-C. GRCh37 (hg19) VCF-style: chr19-59056794-G-C.
Other names: short protein forms V115L.
Identifiers: ClinVar variation 3632409 (VCV003632409.2).

ClinVar aggregate classification (germline): Uncertain significance (1 of 4 stars; one submission).

gnomAD v4.1: 10 of 1,610,070 alleles (0.00062%); highest among the groups gnomAD compares: African/African-American, 0.0013%; no homozygotes.

Submission:

Labcorp Genetics (formerly Invitae), Labcorp
Classification: Uncertain significance. Last evaluated: 2024-10-27. Review status: criteria provided, single submitter. Criteria: Invitae Variant Classification Sherloc (09022015). Collection method: clinical testing. Allele origin: germline.
Comment: This sequence change replaces valine, which is neutral and non-polar, with leucine, which is neutral and non-polar, at codon 115 of the TRIM28 protein (p.Val115Leu). This variant is present in population databases (rs144808183, gnomAD 0.0009%). This variant has not been reported in the literature in individuals affected with TRIM28-related conditions. Experimental studies and prediction algorithms are not available or were not evaluated, and the functional significance of this variant is currently unknown. In summary, the available evidence is currently insufficient to determine the role of this variant in disease. Therefore, it has been classified as a Variant of Uncertain Significance.